The following is an entry in ClinVar:

ClinVar aggregate classification (germline): Uncertain significance (1 of 4 stars; one submission).

Submission:

Labcorp Genetics (formerly Invitae), Labcorp
Classification: Uncertain significance. Last evaluated: 2022-08-24. Review status: criteria provided, single submitter. Criteria: Invitae Variant Classification Sherloc (09022015). Collection method: clinical testing. Allele origin: germline.
Comment: This sequence change replaces valine, which is neutral and non-polar, with methionine, which is neutral and non-polar, at codon 716 of the ZNF408 protein (p.Val716Met). This variant is not present in population databases (gnomAD no frequency). This variant has not been reported in the literature in individuals affected with ZNF408-related conditions. Algorithms developed to predict the effect of missense changes on protein structure and function output the following: SIFT: "Deleterious"; PolyPhen-2: "Benign"; Align-GVGD: "Class C0". The methionine amino acid residue is found in multiple mammalian species, which suggests that this missense change does not adversely affect protein function. In summary, the available evidence is currently insufficient to determine the role of this variant in disease. Therefore, it has been classified as a Variant of Uncertain Significance.

NM_024741.3(ZNF408):c.2146G>A (p.Val716Met)

Gene: ZNF408 (zinc finger protein 408; plus strand). Cytogenetic location: 11p11.2.
Variant type: single nucleotide variant.
Coding change: c.2146G>A on transcript NM_024741.3 (MANE Select); coding-DNA position 2146, G replaced by A.
Protein change: p.Val716Met; replaces valine 716 with methionine.
Molecular consequence: missense variant.
Genome position (GRCh38, 1-based): chr11:46,705,846, G>A. VCF-style: chr11-46705846-G-A. GRCh37 (hg19) VCF-style: chr11-46727396-G-A.
Other names: c.2122G>A, p.Val708Met (NM_001184751.2); short protein forms V708M, V716M.
Identifiers: ClinVar variation 1717940 (VCV001717940.5), dbSNP rs1296690556, ClinGen allele CA380258282.
Genomic context (GRCh38, chr11:46,705,846, plus strand): 5'-CCCAGCCTGGTGCTAATCCATAAGGACATGGGCCTCGGCGCCTGGGCAGAGGTGGTGGAG[G>A]TGGAGATGGGCACCTGACAGCTTTGCCTTTTGCTGACACAGCTCCATAAAGACTCGTGCT-3'
Protein context (NP_079017.1, residues 706-720): GLGAWAEVVE[Val716Met]EMGT